The following is an entry in ClinVar:

ClinVar aggregate classification (germline): Uncertain significance. Review status: criteria provided, multiple submitters, no conflicts (2 of 4 stars). 2 submissions from 2 submitters: Uncertain significance (2). Last evaluated 2025-06-07.

gnomAD v4.1: 56 of 1,614,072 alleles (0.0035%); highest among the groups gnomAD compares: Admixed American, 0.015%; no homozygotes.

Submissions (2):

Ambry Genetics
Classification: Uncertain significance. Last evaluated: 2025-06-07. Review status: criteria provided, single submitter. Criteria: Ambry Variant Classification Scheme 2023. Collection method: clinical testing. Allele origin: germline.

CeGaT Center for Human Genetics Tuebingen
Classification: Uncertain significance. Last evaluated: 2025-01-01. Review status: criteria provided, single submitter. Criteria: CeGaT Center For Human Genetics Tuebingen Variant Classification Criteria Version 2. Collection method: clinical testing. Allele origin: germline. Affected: yes. Observed: 1 variant allele.
Comment: TLE6: PM2, BP4

NM_001143986.2(TLE6):c.619G>A (p.Ala207Thr)

Gene: TLE6 (TLE family member 6, subcortical maternal complex member; plus strand). Cytogenetic location: 19p13.3.
Variant type: single nucleotide variant.
Coding change: c.619G>A on transcript NM_001143986.2 (MANE Select); coding-DNA position 619, G replaced by A.
Protein change: p.Ala207Thr; replaces alanine 207 with threonine.
Molecular consequence: missense variant.
Genome position (GRCh38, 1-based): chr19:2,987,784, G>A. VCF-style: chr19-2987784-G-A. GRCh37 (hg19) VCF-style: chr19-2987782-G-A.
Other names: c.619G>A (NM_001143986.1); c.250G>A, p.Ala84Thr (NM_024760.3); short protein forms A207T, A84T.
Identifiers: ClinVar variation 3771013 (VCV003771013.13).
Genomic context (GRCh38, chr19:2,987,784, plus strand): 5'-GGGCAGGAAAGCAAGGCACCAGGATCCTGTGACCCAGGAACAGACCCATGTCCTGAAGAT[G>A]CCTCCAGTAATCCCAGCGGGCAGGGGCCGACCGACTCCAGGCGGGATGGGGTGGGGGCAT-3'
Protein context (NP_001137458.1, residues 197-217): DPGTDPCPED[Ala207Thr]STPRPPEASS